The following is an entry in ClinVar:

NM_017433.5(MYO3A):c.790A>G (p.Ile264Val)

Gene: MYO3A (myosin IIIA; plus strand). Cytogenetic location: 10p12.1.
Variant type: single nucleotide variant.
Coding change: c.790A>G on transcript NM_017433.5 (MANE Select); coding-DNA position 790, A replaced by G.
Protein change: p.Ile264Val; replaces isoleucine 264 with valine.
Molecular consequence: missense variant.
Genome position (GRCh38, 1-based): chr10:26,024,080, A>G. VCF-style: chr10-26024080-A-G. GRCh37 (hg19) VCF-style: chr10-26313009-A-G.
Other names: short protein forms I264V.
Identifiers: ClinVar variation 449999 (VCV000449999.2), dbSNP rs773997906, ClinGen allele CA5444439.

ClinVar aggregate classification (germline): Uncertain significance (1 of 4 stars; one submission).

Allele frequency attached by ClinVar (database versions not stated): gnomAD below 0.00001 and 0.00001; gnomAD exomes 0.00001; ExAC 0.00002.
gnomAD v4.1: 12 of 1,612,526 alleles (0.00074%); highest among the groups gnomAD compares: South Asian, 0.011%; no homozygotes.

Submission:

GeneDx
Classification: Uncertain significance. Last evaluated: 2017-06-22. Review status: criteria provided, single submitter. Criteria: GeneDx Variant Classification (06012015). Collection method: clinical testing. Allele origin: germline. Affected: yes.
Comment: The I264V variant in the MYO3A gene has not been reported previously as a pathogenic variant, nor as a benign variant, to our knowledge. The I264V variant is observed in 2/16,498 (0.012%) alleles from individuals of South Asian background, with no homozygous individuals reported, in the ExAC dataset (Lek et al., 2016). The I264V variant is a conservative amino acid substitution, which is not likely to impact secondary protein structure as these residues share similar properties. This substitution occurs at a position that is conserved across species. However, in silico analysis is inconsistent in its predictions as to whether or not the variant is damaging to the protein structure/function. We interpret I264V as a variant of uncertain significance.